The following is an entry in ClinVar:

ClinVar aggregate classification (germline): Pathogenic. Review status: reviewed by expert panel (3 of 4 stars). 18 submissions from 18 submitters: Pathogenic (1). 17 of the submissions do not count toward it. Last evaluated 2013-09-05.

Conditions:
Hereditary cancer-predisposing syndrome. Also called: Tumor predisposition; Hereditary Cancer Syndrome; Hereditary neoplastic syndrome; Neoplastic Syndromes, Hereditary. Identifiers: Orphanet 140162, MedGen C0027672, MeSH D009386, MONDO:0015356.
Lynch syndrome. Identifiers: Orphanet 144, MedGen C4552100, MONDO:0005835. Disease mechanism: loss of function.
Mismatch repair cancer syndrome 4. Identifiers: MedGen C5436817, MONDO:0030843, OMIM 619101.
Lynch syndrome 4 (LYNCH4). Also called: Colorectal cancer, hereditary nonpolyposis, type 4; Hereditary non-polyposis colorectal cancer, type 4. Identifiers: Orphanet 144, MedGen C1838333, MONDO:0013699, OMIM 614337. Disease mechanism: loss of function.
Hereditary nonpolyposis colon cancer (HNPCC). Also called: Hereditary nonpolyposis colorectal cancer; Familial nonpolyposis colon cancer; Hereditary Nonpolyposis Colorectal Cancer Syndrome. Identifiers: Orphanet 443909, MedGen C1333990, MONDO:0018630. Disease mechanism: loss of function.
Hereditary nonpolyposis colorectal neoplasms. Identifiers: MedGen C0009405, MeSH D003123.
Endometrial carcinoma. Also called: Endometrial carcinoma, somatic. Identifiers: MedGen C0476089, MONDO:0002447, OMIM 608089, HP:0012114.

Allele frequency attached by ClinVar (database versions not stated): gnomAD exomes below 0.00001; gnomAD 0.00001; TOPMed 0.00002.
gnomAD v4.1: 4 of 1,614,056 alleles (0.00025%); highest among the groups gnomAD compares: African/African-American, 0.0013%; no homozygotes.

Submissions 1 to 10 of 18:

International Society for Gastrointestinal Hereditary Tumours (InSiGHT)
Classification: Pathogenic for Lynch Syndrome. Last evaluated: 2013-09-05. Review status: reviewed by expert panel. Criteria: Guidelines v1.9. Collection method: research. Allele origin: germline.
Comment: Coding sequence variation resulting in a stop codon

Classified with v1.9 guidelines

Color Diagnostics, LLC DBA Color Health
Classification: Pathogenic for Hereditary cancer-predisposing syndrome. Last evaluated: 2025-12-15. Review status: criteria provided, single submitter. Criteria: ACMG Guidelines, 2015. Collection method: clinical testing. Allele origin: germline. Not counted in ClinVar's aggregate classification.
Comment: This variant changes 1 nucleotide in exon 11/ of the PMS2 gene, creating a premature translation stop signal. This variant is expected to result in an absent or non-functional protein product. This variant has been reported in individuals diagnosed with or suspected of having Lynch syndrome (PMID: 23012243, 26110232, 31992580, 35988656). This variant has not been identified in the general population by the Genome Aggregation Database (gnomAD). Loss of PMS2 function is a known mechanism of disease. Based on the available evidence, this variant is classified as Pathogenic.

Labcorp Genetics (formerly Invitae), Labcorp
Classification: Pathogenic for Hereditary nonpolyposis colorectal neoplasms. Last evaluated: 2025-10-31. Review status: criteria provided, single submitter. Criteria: Invitae Variant Classification Sherloc (09022015). Collection method: clinical testing. Allele origin: germline. Not counted in ClinVar's aggregate classification.
Comment: This sequence change creates a premature translational stop signal (p.Arg421*) in the PMS2 gene. It is expected to result in an absent or disrupted protein product. Loss-of-function variants in PMS2 are known to be pathogenic (PMID: 21376568, 24362816). This variant is not present in population databases (gnomAD no frequency). This premature translational stop signal has been observed in individual(s) with colorectal cancer and/or suspected Lynch syndrome (PMID: 23012243, 26110232). Invitae Evidence Modeling of clinical and family history, age, sex, and reported ancestry of multiple individuals with this PMS2 variant has been performed. This variant is expected to be pathogenic with a positive predictive value of at least 99%. This is a validated machine learning model that incorporates the clinical features of 1,627,235 individuals referred to our laboratory for PMS2 testing. ClinVar contains an entry for this variant (Variation ID: 91299). For these reasons, this variant has been classified as Pathogenic.

Ambry Genetics
Classification: Pathogenic for Hereditary cancer-predisposing syndrome. Last evaluated: 2025-08-07. Review status: criteria provided, single submitter. Criteria: Ambry Variant Classification Scheme 2023. Collection method: clinical testing. Allele origin: germline. Not counted in ClinVar's aggregate classification.
Comment: The c.1261C>T (p.R421*) alteration, located in exon 11 (coding exon 11) of the PMS2 gene, consists of a C to T substitution at nucleotide position 1261. This changes the amino acid from an arginine (R) to a stop codon at amino acid position 421. This alteration is expected to result in loss of function by premature protein truncation or nonsense-mediated mRNA decay. This variant was not reported in population-based cohorts in the Genome Aggregation Database (gnomAD). This variant was present in the germline of 1/130 European families with PMS2 mutations meeting either Bethesda criteria or "MSI-testing-indicated-by-a-pathologist" criteria (Suerink, 2016). This variant has also been detected as somatic in a pediatric glioblastoma (Johnson, 2017). Based on the available evidence, this alteration is classified as pathogenic.

Molecular Diagnostics Laboratory, Catalan Institute of Oncology
Classification: Pathogenic for Hereditary cancer-predisposing syndrome. Last evaluated: 2025-07-29. Review status: criteria provided, single submitter. Criteria: ClinGen CRC ACMG Specifications PMS2 V1.0.0. Collection method: clinical testing. Allele origin: germline. Not counted in ClinVar's aggregate classification.
Comment: PVS1, PM2_Supporting, PP4_Strong c.1261C>T, located in exon 11 of the PMS2 gene, is a nonsense variant expected to result in loss of function by premature protein truncation before codon 798 (PVS1). This variant is found in 4/1614056 alleles at a frequency of 0,0002% in the gnomAD v4.1.0 database (PM2_Supporting). The SpliceAI algorithm predicts no significant impact on splicing. To our knowledge, well-established functional studies have been reported for this variant. It has been reported in multiple patients with Lynch syndrome spectrum tumors, showing MSI-H and loss of PMS2 protein expression (consistent with the variant location) (PMID: 26110232, 31992580, 23012243 and internal data) (PP4_Strong). This variant has been reported in the ClinVar database (14x pathogenic), in the LOVD database (3x pathogenic, 1x likely pathogenic) and by InSiGHT (pathogenic). Based on the currently available information, c.1261C>T is classified as a pathogenic variant according to ClinGen CRC ACMG Specifications PMS2 v1.0.0.

GeneDx
Classification: Pathogenic. Last evaluated: 2024-09-04. Review status: criteria provided, single submitter. Criteria: GeneDx Variant Classification Process June 2021. Collection method: clinical testing. Allele origin: germline. Affected: yes. Not counted in ClinVar's aggregate classification.
Comment: Observed in individuals with suspected Lynch Syndrome (PMID: 23012243, 26110232, 31992580); Nonsense variant predicted to result in protein truncation or nonsense mediated decay in a gene for which loss-of-function is a known mechanism of disease; Not observed at significant frequency in large population cohorts (gnomAD); Truncating variants in this gene are considered pathogenic by a well-established clinical consortium and/or database; This variant is associated with the following publications: (PMID: 31159747, 24728327, 26110232, 23012243, 31589614, 30787465, 31992580, 33259954, 33693762, 35988656)

Fulgent Genetics
Classification: Pathogenic for Lynch syndrome 4; Mismatch repair cancer syndrome 4. Last evaluated: 2024-06-10. Review status: criteria provided, single submitter. Criteria: ACMG Guidelines, 2015. Collection method: clinical testing. Allele origin: germline. Not counted in ClinVar's aggregate classification.

All of Us Research Program, National Institutes of Health
Classification: Pathogenic for Lynch syndrome. Last evaluated: 2024-06-09. Review status: criteria provided, single submitter. Criteria: ACMG Guidelines, 2015. Collection method: clinical testing. Allele origin: germline. Inheritance: Autosomal dominant inheritance. Observed: 1 variant allele, 1 heterozygote. Not counted in ClinVar's aggregate classification.
Comment: This variant changes 1 nucleotide in exon 11/15 of the PMS2 gene, creating a premature translation stop signal. This variant is expected to result in an absent or non-functional protein product. This variant has been reported in individuals suspected of having Lynch syndrome (PMID: 23012243, 26110232). This variant has not been identified in the general population by the Genome Aggregation Database (gnomAD). Loss of PMS2 function is a known mechanism of disease. Based on the available evidence, this variant is classified as Pathogenic.

This study involves interpretation of variants in research participants for the purpose of population health screening. Participant phenotype was not available at the time of variant classification. Additional details can be found in publication PMID: 35346344, PMCID: PMC8962531

Mayo Clinic Laboratories, Mayo Clinic
Classification: Pathogenic. Last evaluated: 2024-05-28. Review status: criteria provided, single submitter. Criteria: ACMG Guidelines, 2015. Collection method: clinical testing. Allele origin: germline. Observed: 1 variant allele. Not counted in ClinVar's aggregate classification.
Comment: PP4, PVS1

Myriad Genetics, Inc.
Classification: Pathogenic for Lynch syndrome 4. Last evaluated: 2023-09-20. Review status: criteria provided, single submitter. Criteria: Myriad Autosomal Dominant, Autosomal Recessive and X-Linked Classification Criteria (2023). Collection method: clinical testing. Allele origin: unknown. Not counted in ClinVar's aggregate classification.
Comment: This variant is considered pathogenic. This variant creates a termination codon and is predicted to result in premature protein truncation.

NM_000535.7(PMS2):c.1261C>T (p.Arg421Ter)

Gene: PMS2 (PMS1 homolog 2, mismatch repair system component; minus strand). Cytogenetic location: 7p22.1.
Variant type: single nucleotide variant.
Coding change: c.1261C>T on transcript NM_000535.7 (MANE Select); coding-DNA position 1261, C replaced by T.
Protein change: p.Arg421Ter; replaces arginine 421 with a stop codon.
Molecular consequence: nonsense. On other transcripts: non-coding transcript variant (1).
Genome position (GRCh38, 1-based): chr7:5,987,504, G>A on the plus strand (C>T on the coding strand, the complement: PMS2 is on the minus strand). VCF-style: chr7-5987504-G-A. GRCh37 (hg19) VCF-style: chr7-6027135-G-A.
Other names: c.856C>T, p.Arg286Ter (NM_001322003.2, NM_001322004.2, NM_001322005.2 and 1 more transcripts); c.1105C>T, p.Arg369Ter (NM_001322006.2); c.943C>T, p.Arg315Ter (NM_001322007.2, NM_001322008.2); c.700C>T, p.Arg234Ter (NM_001322010.2); c.328C>T, p.Arg110Ter (NM_001322011.2, NM_001322012.2); c.688C>T, p.Arg230Ter (NM_001322013.2); c.1261C>T, p.Arg421Ter (NM_001322014.2); c.952C>T, p.Arg318Ter (NM_001322015.2); short protein forms R421*, R230*, R234*, R315*, R110*, R286*, R318*, R369*.
Identifiers: ClinVar variation 91299 (VCV000091299.43), dbSNP rs587778617, ClinGen allele CA009431.